The following is an entry in ClinVar:

ClinVar aggregate classification (germline): Likely benign. Review status: criteria provided, multiple submitters, no conflicts (2 of 4 stars). 5 submissions from 5 submitters: Likely benign (5). Last evaluated 2026-04-21.

Conditions:
Hereditary cancer-predisposing syndrome. Also called: Neoplastic Syndromes, Hereditary; Hereditary Cancer Syndrome; Hereditary neoplastic syndrome; Tumor predisposition. Identifiers: Orphanet 140162, MedGen C0027672, MeSH D009386, MONDO:0015356.
Hereditary breast ovarian cancer syndrome. Also called: Hereditary breast and ovarian cancer; Hereditary breast and ovarian cancer syndrome; Hereditary breast and/or ovarian cancer syndrome; BRCA1- and BRCA2-Associated Hereditary Breast and Ovarian Cancer; Hereditary breast and ovarian cancer syndrome (HBOC); Breast and ovarian cancer. Identifiers: Orphanet 145, MedGen C0677776, MeSH D061325, MONDO:0003582. Disease mechanism: loss of function.

Allele frequency attached by ClinVar (database versions not stated): gnomAD exomes below 0.00001.

Submissions (5):

Institute for Biomarker Research, Medical Diagnostic Laboratories, L.L.C.
Classification: Likely benign for Hereditary breast ovarian cancer syndrome. Last evaluated: 2026-04-21. Review status: criteria provided, single submitter. Criteria: ACMG Guidelines, 2015. Collection method: clinical testing. Allele origin: germline.
Comment: The synonymous variant NM_000059.4(BRCA2):c.10119C>T (p.Pro3373=) has been reported to ClinVar as Likely benign with a status of (2 stars) criteria provided, multiple submitters, no conflicts (Accession: VCV000495427.13). The p.Pro3373= variant is not predicted to disrupt an existing splice site. The p.Pro3373= variant results in a substitution of a base that is not predicted conserved by GERP++ and PhyloP. For these reasons, this variant has been classified as Likely Benign.

Center for Genomic Medicine, Rigshospitalet, Copenhagen University Hospital
Classification: Likely benign. Last evaluated: 2025-03-04. Review status: criteria provided, single submitter. Criteria: ACMG Guidelines, 2015. Collection method: clinical testing. Allele origin: germline.

Labcorp Genetics (formerly Invitae), Labcorp
Classification: Likely benign for Hereditary breast ovarian cancer syndrome. Last evaluated: 2023-10-09. Review status: criteria provided, single submitter. Criteria: Invitae Variant Classification Sherloc (09022015). Collection method: clinical testing. Allele origin: germline.

Color Diagnostics, LLC DBA Color Health
Classification: Likely benign for Hereditary cancer-predisposing syndrome. Last evaluated: 2022-11-21. Review status: criteria provided, single submitter. Criteria: ACMG Guidelines, 2015. Collection method: clinical testing. Allele origin: germline.

Women's Health and Genetics/Laboratory Corporation of America, LabCorp
Classification: Likely benign. Last evaluated: 2019-08-21. Review status: criteria provided, single submitter. Criteria: LabCorp Variant Classification Summary - May 2015. Collection method: clinical testing. Allele origin: germline.

NM_000059.4(BRCA2):c.10119C>T (p.Pro3373=)

Gene: BRCA2 (BRCA2 DNA repair associated; plus strand). Cytogenetic location: 13q13.1.
Variant type: single nucleotide variant.
Coding change: c.10119C>T on transcript NM_000059.4 (MANE Select); coding-DNA position 10119, C replaced by T.
Protein change: p.Pro3373=; no amino-acid change (proline 3373 retained).
Molecular consequence: synonymous variant.
Genome position (GRCh38, 1-based): chr13:32,398,632, C>T. VCF-style: chr13-32398632-C-T. GRCh37 (hg19) VCF-style: chr13-32972769-C-T.
Identifiers: ClinVar variation 495427 (VCV000495427.14), dbSNP rs1555290047, ClinGen allele CA483440528.